The following is an entry in ClinVar:

ClinVar aggregate classification (germline): Uncertain significance (1 of 4 stars; one submission).

Conditions:
Cardiovascular phenotype. Identifiers: MedGen CN230736.

Submission:

Ambry Genetics
Classification: Uncertain significance for Cardiovascular phenotype. Last evaluated: 2024-04-14. Review status: criteria provided, single submitter. Criteria: Ambry Variant Classification Scheme 2023. Collection method: clinical testing. Allele origin: germline.
Comment: The p.G179D variant (also known as c.536G>A), located in coding exon 1 of the ZNF469 gene, results from a G to A substitution at nucleotide position 536. The glycine at codon 179 is replaced by aspartic acid, an amino acid with similar properties. This amino acid position is conserved. In addition, this alteration is predicted to be tolerated by in silico analysis. Based on the available evidence, the clinical significance of this variant remains unclear.

NM_001367624.2(ZNF469):c.536G>A (p.Gly179Asp)

Gene: ZNF469 (zinc finger protein 469; plus strand). Cytogenetic location: 16q24.2.
Variant type: single nucleotide variant.
Coding change: c.536G>A on transcript NM_001367624.2 (MANE Select); coding-DNA position 536, G replaced by A.
Protein change: p.Gly179Asp; replaces glycine 179 with aspartic acid.
Molecular consequence: missense variant.
Genome position (GRCh38, 1-based): chr16:88,428,006, G>A. VCF-style: chr16-88428006-G-A. GRCh37 (hg19) VCF-style: chr16-88494414-G-A.
Other names: NM_001127464.1:c.536G>A; short protein forms G179D.
Identifiers: ClinVar variation 3258238 (VCV003258238.1).